The following is an entry in ClinVar:

NM_018489.3(ASH1L):c.4048A>G (p.Arg1350Gly)

Gene: ASH1L (ASH1 like histone lysine methyltransferase; minus strand). Cytogenetic location: 1q22.
Variant type: single nucleotide variant.
Coding change: c.4048A>G on transcript NM_018489.3 (MANE Select); coding-DNA position 4048, A replaced by G.
Protein change: p.Arg1350Gly; replaces arginine 1350 with glycine.
Molecular consequence: missense variant.
Genome position (GRCh38, 1-based): chr1:155,478,822, T>C on the plus strand (A>G on the coding strand, the complement: ASH1L is on the minus strand). VCF-style: chr1-155478822-T-C. GRCh37 (hg19) VCF-style: chr1-155448613-T-C.
Other names: c.4048A>G, p.Arg1350Gly (NM_001366177.2); short protein forms R1350G.
Identifiers: ClinVar variation 3371364 (VCV003371364.1).

ClinVar aggregate classification (germline): Uncertain significance (1 of 4 stars; one submission).

Submission:

GeneDx
Classification: Uncertain significance. Last evaluated: 2024-03-21. Review status: criteria provided, single submitter. Criteria: GeneDx Variant Classification Process June 2021. Collection method: clinical testing. Allele origin: germline. Affected: yes.
Comment: Not observed at significant frequency in large population cohorts (gnomAD); In silico analysis supports that this missense variant does not alter protein structure/function; Has not been previously published as pathogenic or benign to our knowledge